The following is an entry in ClinVar:

NM_001267550.2(TTN):c.19426+6T>C

Gene: TTN (titin; minus strand). Cytogenetic location: 2q31.2.
Variant type: single nucleotide variant.
Coding change: c.19426+6T>C on transcript NM_001267550.2 (MANE Select); 6 bases into the intron after coding-DNA position 19426, T replaced by C.
Molecular consequence: intron variant.
Genome position (GRCh38, 1-based): chr2:178,728,494, A>G on the plus strand (T>C on the coding strand, the complement: TTN is on the minus strand). VCF-style: chr2-178728494-A-G. GRCh37 (hg19) VCF-style: chr2-179593221-A-G.
Other names: c.13282+9588T>C (NM_003319.4); c.13858+9588T>C (NM_133437.4); c.13657+9588T>C (NM_133432.3); c.15694+6T>C (NM_133378.4); c.18475+6T>C (NM_001256850.1).
Identifiers: ClinVar variation 4881894 (VCV004881894.2).

ClinVar aggregate classification (germline): Uncertain significance (1 of 4 stars; one submission).

Submission:

Dasa
Classification: Uncertain significance. Last evaluated: 2025-05-20. Review status: criteria provided, single submitter. Criteria: DASA Assertion Criteria. Collection method: clinical testing. Allele origin: germline.
Comment: NM_001267550.2(TTN):c.19426+6T>C is a splice-region variant predicted to affect normal RNA splicing. This variant is rare in population databases. Computational prediction algorithms are consistent with a deleterious effect. The currently available literature and clinical evidence are not sufficient to establish a definitive association between this variant and the reported condition. Therefore, this variant is classified as a variant of uncertain significance.